The following is an entry in ClinVar:

NM_007272.3(CTRC):c.329A>G (p.His110Arg)

Gene: CTRC (chymotrypsin C; plus strand). Cytogenetic location: 1p36.21.
Variant type: single nucleotide variant.
Coding change: c.329A>G on transcript NM_007272.3 (MANE Select); coding-DNA position 329, A replaced by G.
Protein change: p.His110Arg; replaces histidine 110 with arginine.
Molecular consequence: missense variant.
Genome position (GRCh38, 1-based): chr1:15,442,545, A>G. VCF-style: chr1-15442545-A-G. GRCh37 (hg19) VCF-style: chr1-15769041-A-G.
Other names: short protein forms H110R.
Identifiers: ClinVar variation 2497348 (VCV002497348.3), dbSNP rs1708151587, ClinGen allele CA338565628.

ClinVar aggregate classification (germline): Uncertain significance (1 of 4 stars; one submission).

Conditions:
Hereditary pancreatitis (PCTT). Also called: Hereditary chronic pancreatitis; PRSS1-Related Hereditary Pancreatitis. Identifiers: Orphanet 676, MedGen C0238339, MONDO:0008185, OMIM 167800.

Allele frequency attached by ClinVar (database versions not stated): gnomAD exomes below 0.00001; TOPMed below 0.00001.
gnomAD v4.1: 2 of 1,614,146 alleles (0.00012%); highest among the groups gnomAD compares: Non-Finnish European, 0.00017%; no homozygotes.

Submission:

Ambry Genetics
Classification: Uncertain significance for Hereditary pancreatitis. Last evaluated: 2025-01-14. Review status: criteria provided, single submitter. Criteria: Ambry Variant Classification Scheme 2023. Collection method: clinical testing. Allele origin: germline.
Comment: The p.H110R variant (also known as c.329A>G), located in coding exon 4 of the CTRC gene, results from an A to G substitution at nucleotide position 329. The histidine at codon 110 is replaced by arginine, an amino acid with highly similar properties. This amino acid position is conserved. In addition, this alteration is predicted to be deleterious by in silico analysis. Since supporting evidence is limited at this time, the clinical significance of this alteration remains unclear.